The following is an entry in ClinVar:

NM_016239.4(MYO15A):c.8549G>C (p.Arg2850Pro)

Gene: MYO15A (myosin XVA; plus strand). Cytogenetic location: 17p11.2.
Variant type: single nucleotide variant.
Coding change: c.8549G>C on transcript NM_016239.4 (MANE Select); coding-DNA position 8549, G replaced by C.
Protein change: p.Arg2850Pro; replaces arginine 2850 with proline.
Molecular consequence: missense variant.
Genome position (GRCh38, 1-based): chr17:18,156,284, G>C. VCF-style: chr17-18156284-G-C. GRCh37 (hg19) VCF-style: chr17-18059598-G-C.
Other names: short protein forms R2850P.
Identifiers: ClinVar variation 1311601 (VCV001311601.4), dbSNP rs568612566, ClinGen allele CA398628518.

ClinVar aggregate classification (germline): Uncertain significance. Review status: criteria provided, multiple submitters, no conflicts (2 of 4 stars). 2 submissions from 2 submitters: Uncertain significance (2). Last evaluated 2023-12-08.

Conditions:
Autosomal recessive nonsyndromic hearing loss 3. Also called: NEUROSENSORY NONSYNDROMIC RECESSIVE DEAFNESS 3. Identifiers: Orphanet 90636, MedGen C1838263, MONDO:0010860, OMIM 600316.

Submissions (2):

GeneDx
Classification: Uncertain significance. Last evaluated: 2023-12-08. Review status: criteria provided, single submitter. Criteria: GeneDx Variant Classification Process June 2021. Collection method: clinical testing. Allele origin: germline. Affected: yes.
Comment: Not observed at significant frequency in large population cohorts (gnomAD); In silico analysis supports that this missense variant has a deleterious effect on protein structure/function; Has not been previously published as pathogenic or benign to our knowledge

3billion
Classification: Uncertain significance for Autosomal recessive nonsyndromic hearing loss 3. Last evaluated: 2022-01-03. Review status: criteria provided, single submitter. Criteria: ACMG Guidelines, 2015. Collection method: clinical testing. Allele origin: germline. Affected: yes. Observed: 1 homozygote.
Comment: The varaint is not observed in the gnomAD v2.1.1 dataset (PM2_M). In silico tool predictions suggest damaging effect of the variant on gene or gene product (REVEL: 0.772, PP3_P). Therefore, this variant is classified as uncertain significance according to the recommendation of ACMG/AMP guideline.